The following is an entry in ClinVar:

ClinVar aggregate classification (germline): Uncertain significance (1 of 4 stars; one submission).

Conditions:
Emery-Dreifuss muscular dystrophy 5, autosomal dominant (EDMD5). Also called: EMERY-DREIFUSS MUSCULAR DYSTROPHY 5. Identifiers: Orphanet 261, MedGen C2751805, MONDO:0013072, OMIM 612999.

gnomAD v4.1: 7 of 1,614,068 alleles (0.00043%); highest among the groups gnomAD compares: Admixed American, 0.0033%; no homozygotes.

Submission:

Labcorp Genetics (formerly Invitae), Labcorp
Classification: Uncertain significance for Emery-Dreifuss muscular dystrophy 5, autosomal dominant. Last evaluated: 2025-08-12. Review status: criteria provided, single submitter. Criteria: Invitae Variant Classification Sherloc (09022015). Collection method: clinical testing. Allele origin: germline.
Comment: This sequence change replaces cysteine, which is neutral and slightly polar, with arginine, which is basic and polar, at codon 4543 of the SYNE2 protein (p.Cys4543Arg). This variant is not present in population databases (gnomAD no frequency). This variant has not been reported in the literature in individuals affected with SYNE2-related conditions. An algorithm developed to predict the effect of missense changes on protein structure and function (PolyPhen-2) suggests that this variant is likely to be disruptive. In summary, the available evidence is currently insufficient to determine the role of this variant in disease. Therefore, it has been classified as a Variant of Uncertain Significance.

NM_182914.3(SYNE2):c.13627T>C (p.Cys4543Arg)

Gene: SYNE2 (spectrin repeat containing nuclear envelope protein 2; plus strand). Cytogenetic location: 14q23.2.
Variant type: single nucleotide variant.
Coding change: c.13627T>C on transcript NM_182914.3 (MANE Select); coding-DNA position 13627, T replaced by C.
Protein change: p.Cys4543Arg; replaces cysteine 4543 with arginine.
Molecular consequence: missense variant.
Genome position (GRCh38, 1-based): chr14:64,126,399, T>C. VCF-style: chr14-64126399-T-C. GRCh37 (hg19) VCF-style: chr14-64593117-T-C.
Other names: c.13627T>C, p.Cys4543Arg (NM_015180.6); short protein forms C4543R.
Identifiers: ClinVar variation 4777951 (VCV004777951.1).